The following is an entry in ClinVar:

NM_080860.4(RSPH1):c.60T>C (p.Tyr20=)

Genes: RSPH1 (radial spoke head component 1; minus strand), LOC126653391 (CDK7 strongly-dependent group 2 enhancer GRCh37_chr21:43912470-43913669; plus strand). Cytogenetic location: 21q22.3.
Variant type: single nucleotide variant.
Coding change: c.60T>C on transcript NM_080860.4 (MANE Select); coding-DNA position 60, T replaced by C.
Protein change: p.Tyr20=; no amino-acid change (tyrosine 20 retained).
Molecular consequence: synonymous variant. On other transcripts: intron variant (1).
Genome position (GRCh38, 1-based): chr21:42,493,074, A>G on the plus strand (T>C on the coding strand, the complement: RSPH1 is on the minus strand). VCF-style: chr21-42493074-A-G. GRCh37 (hg19) VCF-style: chr21-43913184-A-G.
Other names: c.55-211T>C (NM_001286506.2); c.60T>C (NM_080860.3).
Identifiers: ClinVar variation 1552642 (VCV001552642.10), dbSNP rs762144549, ClinGen allele CA10044077.

ClinVar aggregate classification (germline): Likely benign. Review status: criteria provided, single submitter (1 of 4 stars). 2 submissions from 2 submitters: Likely benign (1). 1 of the submissions does not count toward it. Last evaluated 2024-10-14.

Conditions:
RSPH1-related disorder. Also called: RSPH1-related condition.
Primary ciliary dyskinesia. Also called: Ciliary dyskinesia. Identifiers: Orphanet 244, MedGen C0008780, MONDO:0016575, HP:0012265.

Allele frequency attached by ClinVar (database versions not stated): gnomAD exomes 0.00001; ExAC 0.00002.
gnomAD v4.1: 5 of 1,613,398 alleles (0.00031%); highest among the groups gnomAD compares: Non-Finnish European, 0.00034%; no homozygotes.

Submissions (2):

Labcorp Genetics (formerly Invitae), Labcorp
Classification: Likely benign for Primary ciliary dyskinesia. Last evaluated: 2024-10-14. Review status: criteria provided, single submitter. Criteria: Invitae Variant Classification Sherloc (09022015). Collection method: clinical testing. Allele origin: germline.

PreventionGenetics, part of Exact Sciences
Classification: Likely benign for RSPH1-related condition. Last evaluated: 2023-08-09. Review status: no assertion criteria provided. Collection method: clinical testing. Allele origin: germline. Not counted in ClinVar's aggregate classification.
Comment: This variant is classified as likely benign based on ACMG/AMP sequence variant interpretation guidelines (Richards et al. 2015 PMID: 25741868, with internal and published modifications).